The following is an entry in ClinVar:

NM_006648.4(WNK2):c.452T>A (p.Val151Glu)

Gene: WNK2 (WNK lysine deficient protein kinase 2; plus strand). Cytogenetic location: 9q22.31.
Variant type: single nucleotide variant.
Coding change: c.452T>A on transcript NM_006648.4 (MANE Select); coding-DNA position 452, T replaced by A.
Protein change: p.Val151Glu; replaces valine 151 with glutamic acid.
Molecular consequence: missense variant.
Genome position (GRCh38, 1-based): chr9:93,185,381, T>A. VCF-style: chr9-93185381-T-A. GRCh37 (hg19) VCF-style: chr9-95947663-T-A.
Other names: c.452T>A, p.Val151Glu (NM_001282394.3); short protein forms V151E.
Identifiers: ClinVar variation 3981886 (VCV003981886.1).
Genomic context (GRCh38, chr9:93,185,381, plus strand): 5'-CCGCTGTCGAAACCGCGCCTGCCCCCGACGGCGGCCCCAGGGAGGAGGCGGCGGCGACCG[T>A]GAGGAAGGAGGATGAGGGGGCGGCCGAGGCGAAGCCTGAGCCCGGGCGCACTCGCCGGGA-3'
Protein context (NP_006639.3, residues 141-161): GGPREEAAAT[Val151Glu]RKEDEGAAEA

ClinVar aggregate classification (germline): Uncertain significance (1 of 4 stars; one submission).

gnomAD v4.1: 2 of 1,589,552 alleles (0.00013%); highest among the groups gnomAD compares: Non-Finnish European, 0.00017%; no homozygotes.

Submission:

Ambry Genetics
Classification: Uncertain significance. Last evaluated: 2025-04-16. Review status: criteria provided, single submitter. Criteria: Ambry Variant Classification Scheme 2023. Collection method: clinical testing. Allele origin: germline.
Comment: The p.V151E variant (also known as c.452T>A), located in coding exon 1 of the WNK2 gene, results from a T to A substitution at nucleotide position 452. The valine at codon 151 is replaced by glutamic acid, an amino acid with dissimilar properties. This amino acid position is conserved. In addition, this alteration is predicted to be tolerated by in silico analysis. Based on the available evidence, the clinical significance of this variant remains unclear.